The following is an entry in ClinVar:

ClinVar aggregate classification (germline): Uncertain significance. Review status: criteria provided, multiple submitters, no conflicts (2 of 4 stars). 2 submissions from 2 submitters: Uncertain significance (2). Last evaluated 2024-05-06.

Allele frequency attached by ClinVar (database versions not stated): gnomAD 0.00003; gnomAD exomes 0.00003; ExAC 0.00004; TOPMed 0.00004.
gnomAD v4.1: 49 of 1,613,608 alleles (0.003%); highest among the groups gnomAD compares: Non-Finnish European, 0.0038%; no homozygotes.

Submissions (2):

Labcorp Genetics (formerly Invitae), Labcorp
Classification: Uncertain significance. Last evaluated: 2024-05-06. Review status: criteria provided, single submitter. Criteria: Invitae Variant Classification Sherloc (09022015). Collection method: clinical testing. Allele origin: germline.
Comment: This sequence change replaces leucine, which is neutral and non-polar, with proline, which is neutral and non-polar, at codon 1515 of the CCDC88C protein (p.Leu1515Pro). The frequency data for this variant in the population databases is considered unreliable, as metrics indicate poor data quality at this position in the gnomAD database. This variant has not been reported in the literature in individuals affected with CCDC88C-related conditions. ClinVar contains an entry for this variant (Variation ID: 2175555). Algorithms developed to predict the effect of missense changes on protein structure and function output the following: SIFT: "Not Available"; PolyPhen-2: "Benign"; Align-GVGD: "Not Available". The proline amino acid residue is found in multiple mammalian species, which suggests that this missense change does not adversely affect protein function. In summary, the available evidence is currently insufficient to determine the role of this variant in disease. Therefore, it has been classified as a Variant of Uncertain Significance.

Mayo Clinic Laboratories, Mayo Clinic
Classification: Uncertain significance. Last evaluated: 2023-06-16. Review status: criteria provided, single submitter. Criteria: ACMG Guidelines, 2015. Collection method: clinical testing. Allele origin: germline. Observed: 1 variant allele.
Comment: BP4

NM_001080414.4(CCDC88C):c.4544T>C (p.Leu1515Pro)

Gene: CCDC88C (coiled-coil domain containing 88C; minus strand). Cytogenetic location: 14q32.11.
Variant type: single nucleotide variant.
Coding change: c.4544T>C on transcript NM_001080414.4 (MANE Select); coding-DNA position 4544, T replaced by C.
Protein change: p.Leu1515Pro; replaces leucine 1515 with proline.
Molecular consequence: missense variant.
Genome position (GRCh38, 1-based): chr14:91,283,415, A>G on the plus strand (T>C on the coding strand, the complement: CCDC88C is on the minus strand). VCF-style: chr14-91283415-A-G. GRCh37 (hg19) VCF-style: chr14-91749759-A-G.
Other names: p.Leu1515Pro; short protein forms L1515P.
Identifiers: ClinVar variation 2175555 (VCV002175555.3), dbSNP rs763296075, ClinGen allele CA7308956.
Genomic context (GRCh38, chr14:91,283,415, plus strand): 5'-ATGGGGGTGGAGTTGGAAGGGGCTGTAGTGGTGGCTGAAGTTGAGCAAGTCCGGGAGCCC[A>G]GCTCCGAGGGCCAGGACCTCATGGCCAGATCGGTGGAGGCATCTGTGCGGTCAAGGCTGC-3'
Protein context (NP_001073883.2, residues 1505-1525): DLAMRSWPSE[Leu1515Pro]GSRTCSTSAT